The following is an entry in ClinVar:

ClinVar aggregate classification (germline): Uncertain significance (1 of 4 stars; one submission).

Allele frequency attached by ClinVar (database versions not stated): ExAC 0.00001.
gnomAD v4.1: 1 of 1,613,248 alleles (0.000062%); highest among the groups gnomAD compares: East Asian, 0.0022%; no homozygotes.

Submission:

Labcorp Genetics (formerly Invitae), Labcorp
Classification: Uncertain significance. Last evaluated: 2022-04-24. Review status: criteria provided, single submitter. Criteria: Invitae Variant Classification Sherloc (09022015). Collection method: clinical testing. Allele origin: germline.
Comment: In summary, the available evidence is currently insufficient to determine the role of this variant in disease. Therefore, it has been classified as a Variant of Uncertain Significance. Variants that disrupt the consensus splice site are a relatively common cause of aberrant splicing (PMID: 17576681, 9536098). Algorithms developed to predict the effect of sequence changes on RNA splicing suggest that this variant is not likely to affect RNA splicing. This variant has not been reported in the literature in individuals affected with COL4A1-related conditions. This variant is present in population databases (rs760570181, gnomAD 0.006%). This sequence change falls in intron 35 of the COL4A1 gene. It does not directly change the encoded amino acid sequence of the COL4A1 protein. It affects a nucleotide within the consensus splice site.

Literature cited by the submitters: PubMed 17576681; PubMed 9536098.

NM_001845.6(COL4A1):c.2968+6G>T

Gene: COL4A1 (collagen type IV alpha 1 chain; minus strand). Cytogenetic location: 13q34.
Variant type: single nucleotide variant.
Coding change: c.2968+6G>T on transcript NM_001845.6 (MANE Select); 6 bases into the intron after coding-DNA position 2968, G replaced by T.
Molecular consequence: intron variant.
Genome position (GRCh38, 1-based): chr13:110,176,620, C>A on the plus strand (G>T on the coding strand, the complement: COL4A1 is on the minus strand). VCF-style: chr13-110176620-C-A. GRCh37 (hg19) VCF-style: chr13-110828967-C-A.
Identifiers: ClinVar variation 1506022 (VCV001506022.6), dbSNP rs760570181, ClinGen allele CA7047445.